The following is an entry in ClinVar:

NM_000066.4(C8B):c.302A>G (p.Asn101Ser)

Gene: C8B (complement C8 beta chain; minus strand). Cytogenetic location: 1p32.2.
Variant type: single nucleotide variant.
Coding change: c.302A>G on transcript NM_000066.4 (MANE Select); coding-DNA position 302, A replaced by G.
Protein change: p.Asn101Ser; replaces asparagine 101 with serine.
Molecular consequence: missense variant.
Genome position (GRCh38, 1-based): chr1:56,956,858, T>C on the plus strand (A>G on the coding strand, the complement: C8B is on the minus strand). VCF-style: chr1-56956858-T-C. GRCh37 (hg19) VCF-style: chr1-57422531-T-C.
Other names: c.146A>G, p.Asn49Ser (NM_001278543.2); c.116A>G, p.Asn39Ser (NM_001278544.2); c.302A>G (NM_000066.2); short protein forms N101S, N49S, N39S.
Identifiers: ClinVar variation 1464527 (VCV001464527.6), dbSNP rs774905937, ClinGen allele CA22833088.

ClinVar aggregate classification (germline): Uncertain significance. Review status: criteria provided, multiple submitters, no conflicts (2 of 4 stars). 2 submissions from 2 submitters: Uncertain significance (2). Last evaluated 2026-05-12.

Conditions:
Inborn genetic diseases. Identifiers: MedGen C0950123, MeSH D030342.

Allele frequency attached by ClinVar (database versions not stated): TOPMed 0.00004; gnomAD exomes 0.00001; gnomAD 0.00004.
gnomAD v4.1: 90 of 1,613,992 alleles (0.0056%); highest among the groups gnomAD compares: Non-Finnish European, 0.0075%; no homozygotes.

Submissions (2):

Ambry Genetics
Classification: Uncertain significance for Inborn genetic diseases. Last evaluated: 2026-05-12. Review status: criteria provided, single submitter. Criteria: Ambry Variant Classification Scheme 2023. Collection method: clinical testing. Allele origin: germline.

Labcorp Genetics (formerly Invitae), Labcorp
Classification: Uncertain significance. Last evaluated: 2022-09-19. Review status: criteria provided, single submitter. Criteria: Invitae Variant Classification Sherloc (09022015). Collection method: clinical testing. Allele origin: germline.
Comment: This sequence change replaces asparagine, which is neutral and polar, with serine, which is neutral and polar, at codon 101 of the C8B protein (p.Asn101Ser). This variant is present in population databases (rs774905937, gnomAD 0.003%). This variant has not been reported in the literature in individuals affected with C8B-related conditions. ClinVar contains an entry for this variant (Variation ID: 1464527). Algorithms developed to predict the effect of missense changes on protein structure and function output the following: SIFT: "Tolerated"; PolyPhen-2: "Benign"; Align-GVGD: "Class C0". The serine amino acid residue is found in multiple mammalian species, which suggests that this missense change does not adversely affect protein function. In summary, the available evidence is currently insufficient to determine the role of this variant in disease. Therefore, it has been classified as a Variant of Uncertain Significance.